The following is an entry in ClinVar:

NM_000065.5(C6):c.322C>T (p.Arg108Cys)

Gene: C6 (complement C6; minus strand). Cytogenetic location: 5p13.1.
Variant type: single nucleotide variant.
Coding change: c.322C>T on transcript NM_000065.5 (MANE Select); coding-DNA position 322, C replaced by T.
Protein change: p.Arg108Cys; replaces arginine 108 with cysteine.
Molecular consequence: missense variant.
Genome position (GRCh38, 1-based): chr5:41,199,891, G>A on the plus strand (C>T on the coding strand, the complement: C6 is on the minus strand). VCF-style: chr5-41199891-G-A. GRCh37 (hg19) VCF-style: chr5-41199993-G-A.
Other names: c.322C>T, p.Arg108Cys (NM_001115131.4); short protein forms R108C.
Identifiers: ClinVar variation 1509685 (VCV001509685.4), dbSNP rs530594382, ClinGen allele CA359604775.

ClinVar aggregate classification (germline): Uncertain significance (1 of 4 stars; one submission).

Allele frequency attached by ClinVar (database versions not stated): gnomAD 0.00003.
gnomAD v4.1: 50 of 1,613,488 alleles (0.0031%); highest among the groups gnomAD compares: Non-Finnish European, 0.0039%; no homozygotes.

Submission:

Labcorp Genetics (formerly Invitae), Labcorp
Classification: Uncertain significance. Last evaluated: 2021-11-19. Review status: criteria provided, single submitter. Criteria: Invitae Variant Classification Sherloc (09022015). Collection method: clinical testing. Allele origin: germline.
Comment: In summary, the available evidence is currently insufficient to determine the role of this variant in disease. Therefore, it has been classified as a Variant of Uncertain Significance. Algorithms developed to predict the effect of missense changes on protein structure and function are either unavailable or do not agree on the potential impact of this missense change (SIFT: "Deleterious"; PolyPhen-2: "Probably Damaging"; Align-GVGD: "Class C0"). This variant has not been reported in the literature in individuals affected with C6-related conditions. This variant is present in population databases (no rsID available, gnomAD 0.007%). This sequence change replaces arginine, which is basic and polar, with cysteine, which is neutral and slightly polar, at codon 108 of the C6 protein (p.Arg108Cys).